The following is an entry in ClinVar:

NM_001377334.1(PIK3C2B):c.2773-9C>T

Gene: PIK3C2B (phosphatidylinositol-4-phosphate 3-kinase catalytic subunit type 2 beta; minus strand). Cytogenetic location: 1q32.1.
Variant type: single nucleotide variant.
Coding change: c.2773-9C>T on transcript NM_001377334.1 (MANE Select); 9 bases into the intron before coding-DNA position 2773, C replaced by T.
Molecular consequence: intron variant.
Genome position (GRCh38, 1-based): chr1:204,444,171, G>A on the plus strand (C>T on the coding strand, the complement: PIK3C2B is on the minus strand). VCF-style: chr1-204444171-G-A. GRCh37 (hg19) VCF-style: chr1-204413299-G-A.
Other names: c.2689-9C>T (NM_001377335.1); c.2773-9C>T (NM_002646.4).
Identifiers: ClinVar variation 3060357 (VCV003060357.2), dbSNP rs2292460, ClinGen allele CA1347586.

ClinVar aggregate classification (germline): Benign (0 of 4 stars; one submission).

Conditions:
PIK3C2B-related disorder. Also called: PIK3C2B-related condition.

Allele frequency attached by ClinVar (database versions not stated): 1000 Genomes Project 0.56150; 1000 Genomes Project 30x 0.56496; TOPMed 0.67097; gnomAD 0.67237; ESP Exome Variant Server 0.69268; ExAC 0.70813; gnomAD exomes 0.77598.
gnomAD v4.1: 1,223,913 of 1,599,224 alleles (77%); highest among the groups gnomAD compares: Non-Finnish European, 81%; 478,502 homozygotes.

Submission:

PreventionGenetics, part of Exact Sciences
Classification: Benign for PIK3C2B-related condition. Last evaluated: 2019-08-02. Review status: no assertion criteria provided. Collection method: clinical testing. Allele origin: germline.
Comment: This variant is classified as benign based on ACMG/AMP sequence variant interpretation guidelines (Richards et al. 2015 PMID: 25741868, with internal and published modifications).